The following is an entry in ClinVar:

NM_020457.3(THAP11):c.324GCA[6] (p.Gln132_Ser133insGln)

Genes: CENPT (centromere protein T; minus strand), THAP11 (THAP domain containing 11; plus strand). Cytogenetic location: 16q22.1.
Variant type: Microsatellite.
Coding change: c.324GCA[6] on transcript NM_020457.3 (MANE Select); six copies in a row of the 3-base unit GCA starting at c.324; the reference has five copies in a row; one copy, 3 bases duplicated.
Protein change: p.Gln132_Ser133insGln.
Molecular consequence: inframe insertion. On other transcripts: intron variant (1).
Genome position (GRCh38, 1-based): chr16:67,842,890-67,842,892, GCA duplicated; duplicating any 3 consecutive bases within chr16:67,842,876-67,842,892 gives the same sequence; the position shown is the placement nearest the transcript's 3' end. VCF-style (leftmost placement, unchanged base first): chr16-67842875-A-ACAG. GRCh37 (hg19) VCF-style: chr16-67876778-A-ACAG.
Other names: c.-492+4511CTG[6] (NM_025082.4).
Identifiers: ClinVar variation 2758935 (VCV002758935.11), dbSNP rs762773277, ClinGen allele CA8118171.
Genomic context (GRCh38, chr16:67,842,875, plus strand): 5'-GCGCAAAGTAGCGCGCAGACCCGCTGGGGCCGCGGCCGCCCGCCGCAGGCAGCAGCAGCA[A>ACAG]CAGCAGCAGCAGCAGCAACAGCAGCAACAGCAGCAGCAGCAGCAACAGCAGCAGCAGCAG-3'

ClinVar aggregate classification (germline): Likely benign. Review status: criteria provided, multiple submitters, no conflicts (2 of 4 stars). 2 submissions from 2 submitters: Likely benign (2). Last evaluated 2025-07-01.

Submissions (2):

CeGaT Center for Human Genetics Tuebingen
Classification: Likely benign. Last evaluated: 2025-07-01. Review status: criteria provided, single submitter. Criteria: CeGaT Center For Human Genetics Tuebingen Variant Classification Criteria Version 2. Collection method: clinical testing. Allele origin: germline. Affected: yes. Observed: 1 variant allele.
Comment: THAP11: BS2

Labcorp Genetics (formerly Invitae), Labcorp
Classification: Likely benign. Last evaluated: 2025-03-31. Review status: criteria provided, single submitter. Criteria: Invitae Variant Classification Sherloc (09022015). Collection method: clinical testing. Allele origin: germline.